The following is an entry in ClinVar:

NM_000218.3(KCNQ1):c.1049G>T (p.Gly350Val)

Gene: KCNQ1 (potassium voltage-gated channel subfamily Q member 1; plus strand). Cytogenetic location: 11p15.5.
Variant type: single nucleotide variant.
Coding change: c.1049G>T on transcript NM_000218.3 (MANE Select); coding-DNA position 1049, G replaced by T.
Protein change: p.Gly350Val; replaces glycine 350 with valine.
Molecular consequence: missense variant.
Genome position (GRCh38, 1-based): chr11:2,585,228, G>T. VCF-style: chr11-2585228-G-T. GRCh37 (hg19) VCF-style: chr11-2606458-G-T.
Other names: p.G350V:GGG>GTG; c.779G>T, p.Gly260Val (NM_001406837.1); c.668G>T, p.Gly223Val (NM_181798.2); short protein forms G223V, G350V, G260V.
Identifiers: ClinVar variation 200838 (VCV000200838.10), dbSNP rs794728524, ClinGen allele CA005101.

ClinVar aggregate classification (germline): Conflicting classifications of pathogenicity. Review status: criteria provided, conflicting classifications (1 of 4 stars). 3 submissions from 3 submitters: Likely pathogenic (2); Uncertain significance (1). Last evaluated 2024-03-20.

Conditions:
Long QT syndrome (LQTS). Identifiers: MedGen C0023976, MeSH D008133, MONDO:0002442. Disease mechanism: loss of function. Inheritance: Various modes of inheritance.

Submissions (3):

Labcorp Genetics (formerly Invitae), Labcorp
Classification: Uncertain significance for Long QT syndrome. Last evaluated: 2024-03-20. Review status: criteria provided, single submitter. Criteria: Invitae Variant Classification Sherloc (09022015). Collection method: clinical testing. Allele origin: germline.
Comment: This sequence change replaces glycine, which is neutral and non-polar, with valine, which is neutral and non-polar, at codon 350 of the KCNQ1 protein (p.Gly350Val). This variant is not present in population databases (gnomAD no frequency). This missense change has been observed in individual(s) with long QT syndrome (PMID: 23631430). ClinVar contains an entry for this variant (Variation ID: 200838). Advanced modeling of protein sequence and biophysical properties (such as structural, functional, and spatial information, amino acid conservation, physicochemical variation, residue mobility, and thermodynamic stability) performed at Invitae indicates that this missense variant is expected to disrupt KCNQ1 protein function with a positive predictive value of 95%. In summary, the available evidence is currently insufficient to determine the role of this variant in disease. Therefore, it has been classified as a Variant of Uncertain Significance.

GeneDx
Classification: Likely pathogenic. Last evaluated: 2016-12-09. Review status: criteria provided, single submitter. Criteria: GeneDx Variant Classification (06012015). Collection method: clinical testing. Allele origin: germline. Affected: yes.
Comment: The G350V variant was initially reported in an individual referred for LQTS testing, though patient-specific clinical data were not included (Lieve et al., 2013). G350V was subsequently reported in a German family in which the the variant segregated with LQTS in a mother and her newborn child (Flock et al., 2015). In addition, the G350V variant was not observed in approximately 6,500 individuals of European and African American ancestry in the NHLBI Exome Sequencing Project, indicating it is not a common benign variant in these populations. Although G350V is a conservative amino acid substitution, this substitution occurs at a position that is conserved across species, and in silico analysis predicts this variant is probably damaging to the protein structure/function. Moreover, missense variants in nearby residues (G345E, S349W, G345R) have been classified as likely pathogenic/pathogenic at GeneDx as well as reported in the Human Gene Mutation Database in association with LQTS (Stenson et al., 2014), supporting the functional importance of this region of the protein. Therefore, this variant is a strong candidate for a pathogenic variant, however, the possibility that it is a benign variant cannot be excluded.

Molecular Diagnostic Laboratory for Inherited Cardiovascular Disease, Montreal Heart Institute
Classification: Likely pathogenic for Long QT syndrome. Review status: criteria provided, single submitter. Criteria: ACMG Guidelines, 2015. Collection method: clinical testing. Allele origin: germline. Affected: yes.

Literature cited by the submitters: PubMed 23631430 (cited by Labcorp Genetics (formerly Invitae), Labcorp).